The following is an entry in ClinVar:

ClinVar aggregate classification (germline): Pathogenic (1 of 4 stars; one submission).

Conditions:
Chédiak-Higashi syndrome (CHS). Also called: Chediak-Higashi Syndrome. Identifiers: Orphanet 167, MedGen C0007965, MONDO:0008963, OMIM 214500.

Submission:

Labcorp Genetics (formerly Invitae), Labcorp
Classification: Pathogenic for Chédiak-Higashi syndrome. Last evaluated: 2023-08-23. Review status: criteria provided, single submitter. Criteria: Invitae Variant Classification Sherloc (09022015). Collection method: clinical testing. Allele origin: germline.
Comment: This variant is not present in population databases (gnomAD no frequency). This sequence change inserts a large fragment of DNA, likely a transposable element, in exon 5 of the LYST gene (c.1082_1083ins?), causing a frameshift at codon 361 (p.Leu361fs). The exact size and sequence of the insertion cannot be determined by the current assay. However, the insertion is expected to result in an absent or disrupted protein product. This variant has not been reported in the literature in individuals affected with LYST-related conditions. For these reasons, this variant has been classified as Pathogenic. Retrotransposon insertions including LINE1 (L1), Alu, and SVA (SINE-VNTR-Alu) have been reported to be disease-causing through disruption of either a coding region or splice site (PMID: 19763152, 20307669, 22406018) and loss-of-function variants in LYST are known to be pathogenic (PMID: 9215679, 11857544).

Literature cited by the submitters: PubMed 19763152; PubMed 20307669; PubMed 22406018; PubMed 9215679; PubMed 11857544.

NM_000081.4(LYST):c.1082_1083insTTTTTTTTTTTTTTTTTTTTNNNNNNNNNNCGTCTTCTGCGTCGCTCACGCTGGGAGCTGTAGACCGGAGCTGTTCCTATTCGGCCATCTTGGCTCCTCCCTCTAGAGCAGCTTT (p.Leu361delinsPhePhePhePhePhePhePheXaaXaaXaaXaaValPheCysValAlaHisAlaGlySerCysArgProGluLeuPheLeuPheGlyHisLeuGlySerSerLeuTer)

Gene: LYST (lysosomal trafficking regulator; minus strand). Cytogenetic location: 1q42.3.
Variant type: Insertion.
Coding change: c.1082_1083insTTTTTTTTTTTTTTTTTTTTNNNNNNNNNNCGTCTTCTGCGTCGCTCACGCTGGGAGCTGTAGACCGGAGCTGTTCCTATTCGGCCATCTTGGCTCCTCCCTCTAGAGCAGCTTT on transcript NM_000081.4 (MANE Select); coding-DNA positions 1082 to 1083, TTTTTTTTTTTTTTTTTTTTNNNNNNNNNNCGTCTTCTGCGTCGCTCACGCTGGGAGCTGTAGACCGGAGCTGTTCCTATTCGGCCATCTTGGCTCCTCCCTCTAGAGCAGCTTT inserted.
Protein change: p.Leu361delinsPhePhePhePhePhePhePheXaaXaaXaaXaaValPheCysValAlaHisAlaGlySerCysArgProGluLeuPheLeuPheGlyHisLeuGlySerSerLeuTer.
Molecular consequence: nonsense.
Genome position: GRCh38: chr1:235,809,747-235,809,748. GRCh37 (hg19): chr1:235,973,047-235,973,048.
Other names: c.1082_1083insTTTTTTTTTTTTTTTTTTTTNNNNNNNNNNCGTCTTCTGCGTCGCTCACGCTGGGAGCTGTAGACCGGAGCTGTTCCTATTCGGCCATCTTGGCTCCTCCCTCTAGAGCAGCTTT, p.Leu361delinsPhePhePhePhePhePhePheXaaXaaXaaXaaValPheCysValAlaHisAlaGlySerCysArgProGluLeuPheLeuPheGlyHisLeuGlySerSerLeuTer (NM_001301365.1).
Identifiers: ClinVar variation 2754766 (VCV002754766.3), dbSNP rs2527120778.